The following is an entry in ClinVar:

ClinVar aggregate classification (germline): Uncertain significance (1 of 4 stars; one submission).

Submission:

GeneDx
Classification: Uncertain significance. Last evaluated: 2026-04-16. Review status: criteria provided, single submitter. Criteria: GeneDx Variant Classification Process June 2021. Collection method: clinical testing. Allele origin: germline.
Comment: Not observed at significant frequency in large population cohorts (gnomAD); In silico analysis suggests that this missense variant does not alter protein structure/function; Has not been previously published as pathogenic or benign to our knowledge

NM_013450.4(BAZ2B):c.5190G>T (p.Leu1730Phe)

Gene: BAZ2B (bromodomain adjacent to zinc finger domain 2B; minus strand). Cytogenetic location: 2q24.2.
Variant type: single nucleotide variant.
Coding change: c.5190G>T on transcript NM_013450.4 (MANE Select); coding-DNA position 5190, G replaced by T.
Protein change: p.Leu1730Phe; replaces leucine 1730 with phenylalanine.
Molecular consequence: missense variant.
Genome position (GRCh38, 1-based): chr2:159,348,781, C>A on the plus strand (G>T on the coding strand, the complement: BAZ2B is on the minus strand). VCF-style: chr2-159348781-C-A. GRCh37 (hg19) VCF-style: chr2-160205292-C-A.
Other names: c.5082G>T, p.Leu1694Phe (NM_001289975.1); c.5028G>T, p.Leu1676Phe (NM_001329857.2); c.5115G>T, p.Leu1705Phe (NM_001329858.2); short protein forms L1676F, L1694F, L1705F, L1730F.
Identifiers: ClinVar variation 5037103 (VCV005037103.1).